The following is an entry in ClinVar:

NM_032383.5(HPS3):c.2124C>T (p.Gly708=)

Gene: HPS3 (HPS3 biogenesis of lysosomal organelles complex 2 subunit 1; plus strand). Cytogenetic location: 3q24.
Variant type: single nucleotide variant.
Coding change: c.2124C>T on transcript NM_032383.5 (MANE Select); coding-DNA position 2124, C replaced by T.
Protein change: p.Gly708=; no amino-acid change (glycine 708 retained).
Molecular consequence: synonymous variant.
Genome position (GRCh38, 1-based): chr3:149,162,165, C>T. VCF-style: chr3-149162165-C-T. GRCh37 (hg19) VCF-style: chr3-148879952-C-T.
Other names: p.Gly708=; c.1629C>T, p.Gly543= (NM_001308258.2).
Identifiers: ClinVar variation 343710 (VCV000343710.27), dbSNP rs138987987, ClinGen allele CA2660246.

ClinVar aggregate classification (germline): Conflicting classifications of pathogenicity. Review status: criteria provided, conflicting classifications (1 of 4 stars). 7 submissions from 7 submitters: Uncertain significance (1); Likely benign (5). 1 of the submissions does not count toward it. Last evaluated 2026-01-13.

Conditions:
Hermansky-Pudlak syndrome 3 (HPS3). Identifiers: Orphanet 231512, Orphanet 79430, MedGen C3888001, MONDO:0013555, OMIM 614072.
HPS3-related disorder. Also called: HPS3-related condition.

Allele frequency attached by ClinVar (database versions not stated): ESP Exome Variant Server 0.00015; TOPMed 0.00018; gnomAD exomes 0.00022 and 0.00024; ExAC 0.00026; gnomAD 0.00031 and 0.00033.
gnomAD v4.1: 387 of 1,613,734 alleles (0.024%); highest among the groups gnomAD compares: Non-Finnish European, 0.03%; 1 homozygote.

Submissions (7):

Labcorp Genetics (formerly Invitae), Labcorp
Classification: Likely benign. Last evaluated: 2026-01-13. Review status: criteria provided, single submitter. Criteria: Invitae Variant Classification Sherloc (09022015). Collection method: clinical testing. Allele origin: germline.

CeGaT Center for Human Genetics Tuebingen
Classification: Likely benign. Last evaluated: 2025-04-01. Review status: criteria provided, single submitter. Criteria: CeGaT Center For Human Genetics Tuebingen Variant Classification Criteria Version 2. Collection method: clinical testing. Allele origin: germline. Affected: yes. Observed: 1 variant allele.
Comment: HPS3: BP4

Mayo Clinic Laboratories, Mayo Clinic
Classification: Likely benign. Last evaluated: 2024-12-19. Review status: criteria provided, single submitter. Criteria: ACMG Guidelines, 2015. Collection method: clinical testing. Allele origin: germline. Observed: 1 variant allele.
Comment: BP4, BP7

Blueprint Genetics
Classification: Likely benign. Last evaluated: 2024-10-24. Review status: criteria provided, single submitter. Criteria: ACMG Guidelines, 2015. Collection method: clinical testing. Allele origin: germline.

Women's Health and Genetics/Laboratory Corporation of America, LabCorp
Classification: Likely benign. Last evaluated: 2024-09-16. Review status: criteria provided, single submitter. Criteria: LabCorp Variant Classification Summary - May 2015. Collection method: clinical testing. Allele origin: germline.

Illumina Laboratory Services, Illumina
Classification: Uncertain significance for Hermansky-Pudlak syndrome 3. Last evaluated: 2018-01-13. Review status: criteria provided, single submitter. Criteria: ICSL Variant Classification Criteria 13 December 2019. Collection method: clinical testing. Allele origin: germline.

PreventionGenetics, part of Exact Sciences
Classification: Likely benign for HPS3-related condition. Last evaluated: 2023-12-04. Review status: no assertion criteria provided. Collection method: clinical testing. Allele origin: germline. Not counted in ClinVar's aggregate classification.
Comment: This variant is classified as likely benign based on ACMG/AMP sequence variant interpretation guidelines (Richards et al. 2015 PMID: 25741868, with internal and published modifications).